The following is an entry in ClinVar:

NM_001040616.3(LINS1):c.1488G>A (p.Leu496=)

Gene: LINS1 (lines homolog 1; minus strand). Cytogenetic location: 15q26.3.
Variant type: single nucleotide variant.
Coding change: c.1488G>A on transcript NM_001040616.3 (MANE Select); coding-DNA position 1488, G replaced by A.
Protein change: p.Leu496=; no amino-acid change (leucine 496 retained).
Molecular consequence: synonymous variant. On other transcripts: non-coding transcript variant (3).
Genome position (GRCh38, 1-based): chr15:100,570,024, C>T on the plus strand (G>A on the coding strand, the complement: LINS1 is on the minus strand). VCF-style: chr15-100570024-C-T. GRCh37 (hg19) VCF-style: chr15-101110229-C-T.
Other names: c.741G>A, p.Leu247= (NM_001352507.2); c.1335G>A, p.Leu445= (NM_001352508.2).
Identifiers: ClinVar variation 3050210 (VCV003050210.2), dbSNP rs1567711178, ClinGen allele CA492685224.

ClinVar aggregate classification (germline): Likely benign (0 of 4 stars; one submission).

Conditions:
LINS1-related disorder. Also called: LINS1-related condition.

Allele frequency attached by ClinVar (database versions not stated): gnomAD exomes below 0.00001; gnomAD 0.00001; TOPMed 0.00001.
gnomAD v4.1: 6 of 1,551,294 alleles (0.00039%); highest among the groups gnomAD compares: Admixed American, 0.0058%; no homozygotes.

Submission:

PreventionGenetics, part of Exact Sciences
Classification: Likely benign for LINS1-related condition. Last evaluated: 2019-07-15. Review status: no assertion criteria provided. Collection method: clinical testing. Allele origin: germline.
Comment: This variant is classified as likely benign based on ACMG/AMP sequence variant interpretation guidelines (Richards et al. 2015 PMID: 25741868, with internal and published modifications).